The following is an entry in ClinVar:

ClinVar aggregate classification (germline): Likely benign (1 of 4 stars; one submission).

Allele frequency attached by ClinVar (database versions not stated): TOPMed 0.00002.
gnomAD v4.1: 1 of 1,334,722 alleles (0.000075%); no homozygotes.

Submission:

CeGaT Center for Human Genetics Tuebingen
Classification: Likely benign. Last evaluated: 2022-09-01. Review status: criteria provided, single submitter. Criteria: CeGaT Center For Human Genetics Tuebingen Variant Classification Criteria Version 2. Collection method: clinical testing. Allele origin: germline. Affected: yes. Observed: 1 variant allele.
Comment: TERF2: PM2:Supporting, BP4, BP7

NM_005652.5(TERF2):c.204C>T (p.Ala68=)

Genes: TERF2 (telomeric repeat binding factor 2; minus strand), LOC130059309 (ATAC-STARR-seq lymphoblastoid silent region 7660; plus strand). Cytogenetic location: 16q22.1.
Variant type: single nucleotide variant.
Coding change: c.204C>T on transcript NM_005652.5 (MANE Select); coding-DNA position 204, C replaced by T.
Protein change: p.Ala68=; no amino-acid change (alanine 68 retained).
Molecular consequence: synonymous variant.
Genome position (GRCh38, 1-based): chr16:69,385,768, G>A on the plus strand (C>T on the coding strand, the complement: TERF2 is on the minus strand). VCF-style: chr16-69385768-G-A. GRCh37 (hg19) VCF-style: chr16-69419671-G-A.
Identifiers: ClinVar variation 2646673 (VCV002646673.24), dbSNP rs2014179643, ClinGen allele CA496397877.